The following is an entry in ClinVar:

ClinVar aggregate classification (germline): Conflicting classifications of pathogenicity. Review status: criteria provided, conflicting classifications (1 of 4 stars). 4 submissions from 4 submitters: Uncertain significance (2); Likely benign (2). Last evaluated 2024-09-12.

Conditions:
Familial thoracic aortic aneurysm and aortic dissection (TAAD). Also called: Thoracic aortic aneurysms and dissections. Identifiers: Orphanet 91387, MedGen C4707243, MONDO:0019625.
Aortic aneurysm, familial thoracic 4 (AAT4). Also called: AORTIC ANEURYSM/AORTIC DISSECTION AND PATENT DUCTUS ARTERIOSUS. Identifiers: MedGen C1851504, MONDO:0007568, OMIM 132900.

Allele frequency attached by ClinVar (database versions not stated): gnomAD 0.00005 and 0.00006; TOPMed 0.00007; ESP Exome Variant Server 0.00008.
gnomAD v4.1: 13 of 1,614,054 alleles (0.00081%); highest among the groups gnomAD compares: African/African-American, 0.017%; no homozygotes.

Submissions (4):

Color Diagnostics, LLC DBA Color Health
Classification: Likely benign for Familial thoracic aortic aneurysm and aortic dissection. Last evaluated: 2024-09-12. Review status: criteria provided, single submitter. Criteria: ACMG Guidelines, 2015. Collection method: clinical testing. Allele origin: germline.

All of Us Research Program, National Institutes of Health
Classification: Likely benign for Familial thoracic aortic aneurysm and aortic dissection. Last evaluated: 2023-11-28. Review status: criteria provided, single submitter. Criteria: ACMG Guidelines, 2015. Collection method: clinical testing. Allele origin: germline. Inheritance: Autosomal dominant inheritance. Observed: 2 variant alleles, 2 heterozygotes.
Comment: This study involves interpretation of variants in research participants for the purpose of population health screening. Participant phenotype was not available at the time of variant classification. Additional details can be found in publication PMID: 35346344, PMCID: PMC8962531

Ambry Genetics
Classification: Uncertain significance for Familial thoracic aortic aneurysm and aortic dissection. Last evaluated: 2022-02-17. Review status: criteria provided, single submitter. Criteria: Ambry Variant Classification Scheme 2023. Collection method: clinical testing. Allele origin: germline.
Comment: The p.I1366V variant (also known as c.4096A>G), located in coding exon 29 of the MYH11 gene, results from an A to G substitution at nucleotide position 4096. The isoleucine at codon 1366 is replaced by valine, an amino acid with highly similar properties. This amino acid position is conserved. In addition, this alteration is predicted to be tolerated by in silico analysis. Since supporting evidence is limited at this time, the clinical significance of this alteration remains unclear.

Labcorp Genetics (formerly Invitae), Labcorp
Classification: Uncertain significance for Aortic aneurysm, familial thoracic 4. Last evaluated: 2020-01-21. Review status: criteria provided, single submitter. Criteria: Invitae Variant Classification Sherloc (09022015). Collection method: clinical testing. Allele origin: germline.
Comment: In summary, the available evidence is currently insufficient to determine the role of this variant in disease. Therefore, it has been classified as a Variant of Uncertain Significance. Algorithms developed to predict the effect of missense changes on protein structure and function output the following: SIFT: "Tolerated"; PolyPhen-2: "Benign"; Align-GVGD: "Class C0". The valine amino acid residue is found in multiple mammalian species, suggesting that this missense change does not adversely affect protein function. These predictions have not been confirmed by published functional studies and their clinical significance is uncertain. This variant has not been reported in the literature in individuals with MYH11-related conditions. ClinVar contains an entry for this variant (Variation ID: 629481). This variant is not present in population databases (ExAC no frequency). This sequence change replaces isoleucine with valine at codon 1373 of the MYH11 protein (p.Ile1373Val). The isoleucine residue is moderately conserved and there is a small physicochemical difference between isoleucine and valine.

NM_002474.3(MYH11):c.4096A>G (p.Ile1366Val)

Genes: MYH11 (myosin heavy chain 11; minus strand), NDE1 (nudE neurodevelopment protein 1; plus strand). Cytogenetic location: 16p13.11.
Variant type: single nucleotide variant.
Coding change: c.4096A>G on transcript NM_002474.3 (MANE Select); coding-DNA position 4096, A replaced by G.
Protein change: p.Ile1366Val; replaces isoleucine 1366 with valine.
Molecular consequence: missense variant. On other transcripts: 3 prime UTR variant (2).
Genome position (GRCh38, 1-based): chr16:15,724,667, T>C on the plus strand (A>G on the coding strand, the complement: MYH11 is on the minus strand). VCF-style: chr16-15724667-T-C. GRCh37 (hg19) VCF-style: chr16-15818524-T-C.
Other names: c.4117A>G, p.Ile1373Val (NM_001040113.2, NM_001040114.2); c.4096A>G, p.Ile1366Val (NM_022844.3); c.*416T>C (NM_001143979.2, NM_017668.3); short protein forms I1373V, I1366V.
Identifiers: ClinVar variation 629481 (VCV000629481.15), dbSNP rs147127121, ClinGen allele CA278606424.